The following is an entry in ClinVar:

NM_001278064.2(GRM1):c.3133_3137dup (p.Asp1047fs)

Gene: GRM1 (glutamate metabotropic receptor 1; plus strand). Cytogenetic location: 6q24.3.
Variant type: Duplication.
Coding change: c.3133_3137dup on transcript NM_001278064.2 (MANE Select); coding-DNA positions 3133 to 3137, 5 bases duplicated (ATCCC; older notation c.3133_3137dupATCCC).
Protein change: p.Asp1047fs; shifts the reading frame from aspartic acid 1047.
Molecular consequence: frameshift variant. On other transcripts: 3 prime UTR variant (3).
Genome position (GRCh38, 1-based): chr6:146,434,344-146,434,348, ATCCC duplicated. VCF-style (leftmost placement, unchanged base first): chr6-146434343-G-GATCCC. GRCh37 (hg19) VCF-style: chr6-146755479-G-GATCCC.
Other names: NM_000838.3:c.3133_3137dupATCCC; c.*497_*501dup (NM_001278065.2); c.*462_*466dup (NM_001278066.1); c.*371_*375dup (NM_001278067.1); short protein forms D1047fs.
Identifiers: ClinVar variation 2228646 (VCV002228646.2), dbSNP rs2484164715, ClinGen allele CA2580075183.

ClinVar aggregate classification (germline): Uncertain significance (1 of 4 stars; one submission).

Conditions:
Inborn genetic diseases. Identifiers: MedGen C0950123, MeSH D030342.

Submission:

Ambry Genetics
Classification: Uncertain significance for Inborn genetic diseases. Last evaluated: 2021-01-28. Review status: criteria provided, single submitter. Criteria: Ambry Variant Classification Scheme 2023. Collection method: clinical testing. Allele origin: germline.
Comment: The c.3133_3137dupATCCC (p.D1047Sfs*38) alteration, located in exon 9 (coding exon 8) of the GRM1 gene, consists of a duplication of ATCCC at position 3133, causing a translational frameshift with a predicted alternate stop codon after 38 amino acids. Frameshift alterations are typically deleterious in nature (Richards, 2015). Based on insufficient or conflicting evidence, the clinical significance of this alteration remains unclear.